The following is an entry in ClinVar:

NM_001378120.1(MBD5):c.4732G>A (p.Val1578Ile)

Gene: MBD5 (methyl-CpG binding domain protein 5; plus strand). Cytogenetic location: 2q23.1.
Variant type: single nucleotide variant.
Coding change: c.4732G>A on transcript NM_001378120.1 (MANE Select); coding-DNA position 4732, G replaced by A.
Protein change: p.Val1578Ile; replaces valine 1578 with isoleucine.
Molecular consequence: missense variant.
Genome position (GRCh38, 1-based): chr2:148,490,364, G>A. VCF-style: chr2-148490364-G-A. GRCh37 (hg19) VCF-style: chr2-149247933-G-A.
Other names: p.V1345I:GTT>ATT; c.4033G>A, p.Val1345Ile (NM_018328.5); short protein forms V1345I, V1578I.
Identifiers: ClinVar variation 206055 (VCV000206055.12), dbSNP rs376249586, ClinGen allele CA315767.

ClinVar aggregate classification (germline): Conflicting classifications of pathogenicity. Review status: criteria provided, conflicting classifications (1 of 4 stars). 2 submissions from 2 submitters: Uncertain significance (1); Likely benign (1). Last evaluated 2025-01-27.

Conditions:
Intellectual developmental disorder, autosomal dominant 1. Also called: Intellectual disability, autosomal dominant 1; MBD5 Haploinsufficiency. Identifiers: Orphanet 228402, MedGen C1969562, MONDO:0007974, OMIM 156200.

Allele frequency attached by ClinVar (database versions not stated): ExAC 0.00003; gnomAD exomes 0.00003; gnomAD 0.00004; ESP Exome Variant Server 0.00008; TOPMed 0.00008.
gnomAD v4.1: 43 of 1,614,058 alleles (0.0027%); highest among the groups gnomAD compares: Admixed American, 0.0083%; no homozygotes.

Submissions (2):

Labcorp Genetics (formerly Invitae), Labcorp
Classification: Uncertain significance for Intellectual developmental disorder, autosomal dominant 1. Last evaluated: 2025-01-27. Review status: criteria provided, single submitter. Criteria: Invitae Variant Classification Sherloc (09022015). Collection method: clinical testing. Allele origin: germline.
Comment: This sequence change replaces valine, which is neutral and non-polar, with isoleucine, which is neutral and non-polar, at codon 1345 of the MBD5 protein (p.Val1345Ile). This variant is present in population databases (rs376249586, gnomAD 0.009%). This variant has not been reported in the literature in individuals affected with MBD5-related conditions. ClinVar contains an entry for this variant (Variation ID: 206055). An algorithm developed to predict the effect of missense changes on protein structure and function outputs the following: PolyPhen-2: "Not Available". The isoleucine amino acid residue is found in multiple mammalian species, which suggests that this missense change does not adversely affect protein function. In summary, the available evidence is currently insufficient to determine the role of this variant in disease. Therefore, it has been classified as a Variant of Uncertain Significance.

GeneDx
Classification: Likely benign. Last evaluated: 2013-11-25. Review status: criteria provided, single submitter. Criteria: GeneDx Variant Classification (06012015). Collection method: clinical testing. Allele origin: germline. Affected: yes.
Comment: This variant is considered likely benign or benign based on one or more of the following criteria: it is a conservative change, it occurs at a poorly conserved position in the protein, it is predicted to be benign by multiple in silico algorithms, and/or has population frequency not consistent with disease.